The following is an entry in ClinVar:

ClinVar aggregate classification (germline): Pathogenic (1 of 4 stars; one submission).

Conditions:
T-B+ severe combined immunodeficiency due to JAK3 deficiency. Also called: SCID, T CELL-NEGATIVE, B CELL-POSITIVE, NK CELL-NEGATIVE; SCID, autosomal recessive, T-negative/B-positive type. Identifiers: Orphanet 35078, MedGen C1833275, MONDO:0010938, OMIM 600802.

Submission:

Labcorp Genetics (formerly Invitae), Labcorp
Classification: Pathogenic for T-B+ severe combined immunodeficiency due to JAK3 deficiency. Last evaluated: 2024-02-18. Review status: criteria provided, single submitter. Criteria: Invitae Variant Classification Sherloc (09022015). Collection method: clinical testing. Allele origin: germline.
Comment: This sequence change creates a premature translational stop signal (p.Lys748*) in the JAK3 gene. It is expected to result in an absent or disrupted protein product. Loss-of-function variants in JAK3 are known to be pathogenic (PMID: 7481768, 11668621). This variant is not present in population databases (gnomAD no frequency). This variant has not been reported in the literature in individuals affected with JAK3-related conditions. For these reasons, this variant has been classified as Pathogenic.

Literature cited by the submitters: PubMed 7481768; PubMed 11668621.

NM_000215.4(JAK3):c.2242A>T (p.Lys748Ter)

Gene: JAK3 (Janus kinase 3; minus strand). Cytogenetic location: 19p13.11.
Variant type: single nucleotide variant.
Coding change: c.2242A>T on transcript NM_000215.4 (MANE Select); coding-DNA position 2242, A replaced by T.
Protein change: p.Lys748Ter; replaces lysine 748 with a stop codon.
Molecular consequence: nonsense.
Genome position (GRCh38, 1-based): chr19:17,834,679, T>A on the plus strand (A>T on the coding strand, the complement: JAK3 is on the minus strand). VCF-style: chr19-17834679-T-A. GRCh37 (hg19) VCF-style: chr19-17945488-T-A.
Other names: short protein forms K748*.
Identifiers: ClinVar variation 3610270 (VCV003610270.3).
Genomic context (GRCh38, chr19:17,834,679, plus strand): 5'-GCCTCTGGACCGGCTCATAGGCCATGCACTGTTGAATCAGCAGGGCCAGCTCTGTCCACT[T>A]GGGGGCCGGCAGCTGCTGCCGGTCCTCATAAAATTGGAGTTTCTGAGGGTGAGAGGAGCA-3'